The following is an entry in ClinVar:

ClinVar aggregate classification (germline): Pathogenic. Review status: criteria provided, multiple submitters, no conflicts (2 of 4 stars). 4 submissions from 4 submitters: Pathogenic (4). Last evaluated 2026-05-29.

Conditions:
Retinoblastoma (RB1). Also called: RETINOBLASTOMA, SOMATIC. Identifiers: Orphanet 790, MedGen C0035335, MeSH D012175, MONDO:0008380, OMIM 180200, HP:0009919. Disease mechanism: loss of function. Inheritance: Both sporadic and heritable forms are tested..
Hereditary cancer-predisposing syndrome. Also called: Hereditary neoplastic syndrome; Neoplastic Syndromes, Hereditary; Tumor predisposition; Hereditary Cancer Syndrome. Identifiers: Orphanet 140162, MedGen C0027672, MeSH D009386, MONDO:0015356.

Submissions (4):

Diller/Parad Lab, Dana-Farber/Harvard Cancer Center
Classification: Pathogenic for Retinoblastoma. Last evaluated: 2026-05-29. Review status: criteria provided, single submitter. Criteria: ACMG Guidelines, 2015. Collection method: research. Allele origin: germline. Affected: yes.
Comment: It has been classified as Pathogenic using Richards et al (PMID:25741868) based on the following evidence codes: PM2, PP3, PM1.

Labcorp Genetics (formerly Invitae), Labcorp
Classification: Pathogenic for Retinoblastoma. Last evaluated: 2025-05-05. Review status: criteria provided, single submitter. Criteria: Invitae Variant Classification Sherloc (09022015). Collection method: clinical testing. Allele origin: germline.
Comment: This sequence change affects codon 654 of the RB1 mRNA. It is a 'silent' change, meaning that it does not change the encoded amino acid sequence of the RB1 protein. RNA analysis indicates that this variant induces altered splicing and may result in an absent or altered protein product. This variant is not present in population databases (gnomAD no frequency). This variant has been observed in individual(s) with retinoblastoma (PMID: 15605413, 19280657, 36729443). In at least one individual the variant was observed to be de novo. ClinVar contains an entry for this variant (Variation ID: 410929). An algorithm developed to predict the effect of missense changes on protein structure and function (PolyPhen-2) suggests that this variant is likely to be disruptive. Variants that disrupt the consensus splice site are a relatively common cause of aberrant splicing (PMID: 17576681, 9536098). Studies have shown that this variant results in skipping of exon 19, and produces a non-functional protein and/or introduces a premature termination codon (internal data). This variant disrupts the c.1960G nucleotide in the RB1 gene. Other variant(s) that disrupt this nucleotide have been determined to be pathogenic (PMID: 14722923, 15884040, 22084214, 26925970, 29568217). This suggests that this nucleotide is clinically significant, and that variants that disrupt this position are likely to be disease-causing. For these reasons, this variant has been classified as Pathogenic.

Genetic Diagnostic Laboratory, University of Pennsylvania School of Medicine
Classification: Pathogenic for Retinoblastoma. Last evaluated: 2024-05-20. Review status: criteria provided, single submitter. Criteria: ACMG Guidelines, 2015. Collection method: clinical testing. Allele origin: germline. Affected: yes. Observed: 5 variant alleles.
Comment: Case and Pedigree Information: BILATERAL CASES:3, UNILATERAL CASES:2, TOTAL CASES:5, PEDIGREES:4 (one pedigree contains both unilateral and bilateral cases). ACMG Codes Applied:PVS1, PM2, PS4SUP

Ambry Genetics
Classification: Pathogenic for Hereditary cancer-predisposing syndrome. Last evaluated: 2018-11-12. Review status: criteria provided, single submitter. Criteria: Ambry Variant Classification Scheme 2023. Collection method: clinical testing. Allele origin: germline.
Comment: The c.1960G>C pathogenic mutation (also known as p.V654L), located in coding exon 19 of the RB1 gene, results from a G to C substitution at nucleotide position 1960. The amino acid change results in valine to leucine at codon 654, an amino acid with highly similar properties. However, this change occurs in the last base pair of coding exon 19, which makes it likely to have some effect on normal mRNA splicing. This mutation has been described in multiple individuals with retinoblastoma (Alonso J et al. Hum. Mutat. 2005 Jan;25(1):99; Li T et al. Int J Clin Exp Pathol 2016;9(2):2120-2126; Ambry internal data). Using two different splice site prediction tools, this alteration is predicted by ESEfinder to abolish the native splice donor site, but is predicted to weaken (but not abolish) the efficiency of the native splice donor site by BDGP. RNA studies using patient RNA have shown that both this alteration and another mutation at this nucleotide position (c.1960G>A) cause exon 19 skipping, resulting in a truncated protein (Houdayer C et al. Hum. Mutat. 2008 Jul;29(7):975-82). Based on the supporting evidence, this alteration is interpreted as a disease-causing mutation.

Literature cited by the submitters: PubMed 15605413 (cited by Labcorp Genetics (formerly Invitae), Labcorp); PubMed 19280657 (cited by Labcorp Genetics (formerly Invitae), Labcorp); PubMed 36729443 (cited by Labcorp Genetics (formerly Invitae), Labcorp); PubMed 17576681 (cited by Labcorp Genetics (formerly Invitae), Labcorp); PubMed 9536098 (cited by Labcorp Genetics (formerly Invitae), Labcorp); PubMed 14722923 (cited by Labcorp Genetics (formerly Invitae), Labcorp); PubMed 15884040 (cited by Labcorp Genetics (formerly Invitae), Labcorp); PubMed 22084214 (cited by Labcorp Genetics (formerly Invitae), Labcorp); PubMed 26925970 (cited by Labcorp Genetics (formerly Invitae), Labcorp); PubMed 29568217 (cited by Labcorp Genetics (formerly Invitae), Labcorp).

NM_000321.3(RB1):c.1960G>C (p.Val654Leu)

Gene: RB1 (RB transcriptional corepressor 1; plus strand). Cytogenetic location: 13q14.2.
Variant type: single nucleotide variant.
Coding change: c.1960G>C on transcript NM_000321.3 (MANE Select); coding-DNA position 1960, G replaced by C.
Protein change: p.Val654Leu; replaces valine 654 with leucine.
Molecular consequence: missense variant.
Genome position (GRCh38, 1-based): chr13:48,456,349, G>C. VCF-style: chr13-48456349-G-C. GRCh37 (hg19) VCF-style: chr13-49030485-G-C.
Other names: short protein forms V654L.
Identifiers: ClinVar variation 410929 (VCV000410929.15), dbSNP rs483352690, ClinGen allele CA16614062.